The following is an entry in ClinVar:

ClinVar aggregate classification (germline): Pathogenic (1 of 4 stars; one submission).

Conditions:
Cystic fibrosis (CF). Also called: MUCOVISCIDOSIS. Identifiers: Orphanet 586, MedGen C0010674, MONDO:0009061, OMIM 219700. Disease mechanism: loss of function.

Submission:

Women's Health and Genetics/Laboratory Corporation of America, LabCorp
Classification: Pathogenic for Cystic fibrosis. Last evaluated: 2024-02-26. Review status: criteria provided, single submitter. Criteria: LabCorp Variant Classification Summary - May 2015. Collection method: clinical testing. Allele origin: germline.
Comment: Variant summary: The variant involves the deletion of exon 21 in the CFTR gene. A presumed nomenclature of c.(3367+1_3368-1)_(3468+1_3469-1)del has been designated for the purposes of this classification. This Copy Number Variant (CNV) is expected to alter the reading frame and predicted to result in a truncation or absence of the encoded protein due to nonsense mediated decay (NMD). The variant was absent in 21694 control chromosomes. c.(3367+1_3368-1)_(3468+1_3469-1)del has been reported in the literature in individuals affected with Cystic Fibrosis and related disorders (Svensson_2010, Duz_2021). To our knowledge, no experimental evidence demonstrating an impact on protein function has been reported. The following publications have been ascertained in the context of this evaluation (PMID: 20059381, 33093640). No submitters have cited clinical-significance assessments for this variant to ClinVar. Based on the evidence outlined above, the variant was classified as pathogenic.

Literature cited by the submitters: PubMed 20059381; PubMed 33093640.

NC_000007.13:g.(117251863_117254666)_(117254768_117267575)del

Gene: CFTR (CF transmembrane conductance regulator; plus strand). Cytogenetic location: 7q31.2.
Variant type: Deletion.
Identifiers: ClinVar variation 3068882 (VCV003068882.1).